The following is an entry in ClinVar:

ClinVar aggregate classification (germline): Uncertain significance. Review status: criteria provided, multiple submitters, no conflicts (2 of 4 stars). 3 submissions from 3 submitters: Uncertain significance (3). Last evaluated 2025-02-21.

Conditions:
Peroxisome biogenesis disorder 2B (PBD2B). Identifiers: Orphanet 44, MedGen C3550234, MONDO:0008736, OMIM 202370.
Inborn genetic diseases. Identifiers: MedGen C0950123, MeSH D030342.

Allele frequency attached by ClinVar (database versions not stated): TOPMed below 0.00001.
gnomAD v4.1: 13 of 1,614,006 alleles (0.00081%); highest among the groups gnomAD compares: Non-Finnish European, 0.0011%; no homozygotes.

Submissions (3):

Ambry Genetics
Classification: Uncertain significance for Inborn genetic diseases. Last evaluated: 2025-02-21. Review status: criteria provided, single submitter. Criteria: Ambry Variant Classification Scheme 2023. Collection method: clinical testing. Allele origin: germline.

Labcorp Genetics (formerly Invitae), Labcorp
Classification: Uncertain significance for Peroxisome biogenesis disorder 2B. Last evaluated: 2021-08-11. Review status: criteria provided, single submitter. Criteria: Invitae Variant Classification Sherloc (09022015). Collection method: clinical testing. Allele origin: germline.
Comment: This sequence change replaces aspartic acid with asparagine at codon 401 of the PEX5 protein (p.Asp401Asn). The aspartic acid residue is moderately conserved and there is a small physicochemical difference between aspartic acid and asparagine. This variant is not present in population databases (ExAC no frequency). This variant has not been reported in the literature in individuals affected with PEX5-related conditions. Algorithms developed to predict the effect of missense changes on protein structure and function (SIFT, PolyPhen-2, Align-GVGD) all suggest that this variant is likely to be tolerated. In summary, the available evidence is currently insufficient to determine the role of this variant in disease. Therefore, it has been classified as a Variant of Uncertain Significance.

Blueprint Genetics
Classification: Uncertain significance. Last evaluated: 2019-08-29. Review status: criteria provided, single submitter. Criteria: ACMG Guidelines, 2015. Collection method: clinical testing. Allele origin: germline.

NM_001351132.2(PEX5):c.1201G>A (p.Asp401Asn)

Gene: PEX5 (peroxisomal biogenesis factor 5; plus strand). Cytogenetic location: 12p13.31.
Variant type: single nucleotide variant.
Coding change: c.1201G>A on transcript NM_001351132.2 (MANE Select); coding-DNA position 1201, G replaced by A.
Protein change: p.Asp401Asn; replaces aspartic acid 401 with asparagine.
Molecular consequence: missense variant.
Genome position (GRCh38, 1-based): chr12:7,208,476, G>A. VCF-style: chr12-7208476-G-A. GRCh37 (hg19) VCF-style: chr12-7361072-G-A.
Other names: c.1201G>A (NM_001131025.1); c.1177G>A, p.Asp393Asn (NM_000319.5); c.1246G>A, p.Asp416Asn (NM_001131023.2); c.1090G>A, p.Asp364Asn (NM_001131024.2, NM_001351124.3, NM_001351126.2 and 7 more transcripts); c.1201G>A, p.Asp401Asn (NM_001131025.2, NM_001131026.2, NM_001300789.3 and 4 more transcripts); c.1135G>A, p.Asp379Asn (NM_001351135.3, NM_001351138.2); c.1192G>A, p.Asp398Asn (NM_001351136.2); c.1066G>A, p.Asp356Asn (NM_001351139.2, NM_001351140.2, NM_001374649.2); short protein forms D356N, D379N, D416N, D393N, D398N, D401N, D364N.
Identifiers: ClinVar variation 1466486 (VCV001466486.5), dbSNP rs1945098580, ClinGen allele CA383732490.
Genomic context (GRCh38, chr12:7,208,476, plus strand): 5'-GTCATTGCAGATATCAAGTCTGCCCATCCCTGATCAAACAGGTGTCTGGAGCTAAAGCCA[G>A]ATAACCAGACAGCACTGATGGCGCTGGCTGTGAGCTTCACCAACGAGTCCCTGCAGCGAC-3'
Protein context (NP_001338061.1, residues 391-411): ALRRCLELKP[Asp401Asn]NQTALMALAV